The following is an entry in ClinVar:

NM_152703.5(SAMD9L):c.3410G>A (p.Gly1137Glu)

Gene: SAMD9L (sterile alpha motif domain containing 9 like; minus strand). Cytogenetic location: 7q21.2.
Variant type: single nucleotide variant.
Coding change: c.3410G>A on transcript NM_152703.5 (MANE Select); coding-DNA position 3410, G replaced by A.
Protein change: p.Gly1137Glu; replaces glycine 1137 with glutamic acid.
Molecular consequence: missense variant.
Genome position (GRCh38, 1-based): chr7:93,132,562, C>T on the plus strand (G>A on the coding strand, the complement: SAMD9L is on the minus strand). VCF-style: chr7-93132562-C-T. GRCh37 (hg19) VCF-style: chr7-92761875-C-T.
Other names: c.3410G>A, p.Gly1137Glu (NM_001303496.3, NM_001303497.3, NM_001303498.3 and 5 more transcripts); short protein forms G1137E.
Identifiers: ClinVar variation 1426492 (VCV001426492.7), dbSNP rs17165111, ClinGen allele CA161959355.

ClinVar aggregate classification (germline): Uncertain significance. Review status: criteria provided, multiple submitters, no conflicts (2 of 4 stars). 2 submissions from 2 submitters: Uncertain significance (2). Last evaluated 2024-04-10.

Conditions:
Ataxia-pancytopenia syndrome (ATXPC). Also called: SAMD9L-Related Syndrome; SAMD9L Ataxia-Pancytopenia Syndrome. Identifiers: Orphanet 2585, MedGen C1327919, MONDO:0008038, OMIM 159550.
Monosomy 7 myelodysplasia and leukemia syndrome 1. Also called: Familial Mosaic Monosomy 7 Syndrome; CHROMOSOME 7q DELETION; Monosomy 7 of bone marrow. Identifiers: MedGen C1854978, MONDO:0009646, OMIM 252270.
Spinocerebellar ataxia 49 (SCA49). Identifiers: Orphanet 631106, MedGen C5676950, MONDO:0030805, OMIM 619806.

gnomAD v4.1: 1 of 1,613,730 alleles (0.000062%); no homozygotes.

Submissions (2):

Fulgent Genetics
Classification: Uncertain significance for Ataxia-pancytopenia syndrome; Monosomy 7 myelodysplasia and leukemia syndrome 1; Spinocerebellar ataxia 49. Last evaluated: 2024-04-10. Review status: criteria provided, single submitter. Criteria: ACMG Guidelines, 2015. Collection method: clinical testing. Allele origin: germline.

Labcorp Genetics (formerly Invitae), Labcorp
Classification: Uncertain significance. Last evaluated: 2021-02-13. Review status: criteria provided, single submitter. Criteria: Invitae Variant Classification Sherloc (09022015). Collection method: clinical testing. Allele origin: germline.
Comment: This variant has not been reported in the literature in individuals with SAMD9L-related conditions. This variant is not present in population databases (ExAC no frequency). This sequence change replaces glycine with glutamic acid at codon 1137 of the SAMD9L protein (p.Gly1137Glu). The glycine residue is weakly conserved and there is a moderate physicochemical difference between glycine and glutamic acid. In summary, the available evidence is currently insufficient to determine the role of this variant in disease. Therefore, it has been classified as a Variant of Uncertain Significance. Algorithms developed to predict the effect of missense changes on protein structure and function output the following: SIFT: "Not Available"; PolyPhen-2: "Benign"; Align-GVGD: "Not Available". The glutamic acid amino acid residue is found in multiple mammalian species, suggesting that this missense change does not adversely affect protein function. These predictions have not been confirmed by published functional studies and their clinical significance is uncertain.